The following is an entry in ClinVar:

ClinVar aggregate classification (germline): Conflicting classifications of pathogenicity. Review status: criteria provided, conflicting classifications (1 of 4 stars). 3 submissions from 3 submitters: Pathogenic (1); Uncertain significance (1). 1 of the submissions does not count toward it. Last evaluated 2024-04-30.

Conditions:
Marfan syndrome (MFS). Also called: Marfan syndrome, classic; FBN1-Related Marfan Syndrome; Marfan syndrome type 1; Marfan's syndrome; MARFAN SYNDROME, TYPE I. Identifiers: Orphanet 284963, Orphanet 558, MedGen C0024796, MONDO:0007947, OMIM 154700.
Familial thoracic aortic aneurysm and aortic dissection (TAAD). Also called: Thoracic aortic aneurysms and dissections. Identifiers: Orphanet 91387, MedGen C4707243, MONDO:0019625.

Submissions (3):

Labcorp Genetics (formerly Invitae), Labcorp
Classification: Pathogenic for Marfan syndrome; Familial thoracic aortic aneurysm and aortic dissection. Last evaluated: 2024-04-30. Review status: criteria provided, single submitter. Criteria: Invitae Variant Classification Sherloc (09022015). Collection method: clinical testing. Allele origin: germline.
Comment: This sequence change replaces aspartic acid, which is acidic and polar, with glycine, which is neutral and non-polar, at codon 530 of the FBN1 protein (p.Asp530Gly). This variant is not present in population databases (gnomAD no frequency). This missense change has been observed in individuals with clinical features of FBN1-related conditions (PMID: 31211624; Invitae). It has also been observed to segregate with disease in related individuals. ClinVar contains an entry for this variant (Variation ID: 199973). An algorithm developed to predict the effect of missense changes on protein structure and function (PolyPhen-2) suggests that this variant is likely to be disruptive. For these reasons, this variant has been classified as Pathogenic.

GeneDx
Classification: Uncertain significance. Last evaluated: 2018-01-30. Review status: criteria provided, single submitter. Criteria: GeneDx Variant Classification (06012015). Collection method: clinical testing. Allele origin: germline. Affected: yes.
Comment: p.Asp530Gly (GAC>GGC): c.1589 A>G in exon 14 of the FBN1 gene (NM_000138.4) The Asp530Gly variant in the FBN1 gene has not been reported as a disease-causing mutation or as a benign polymorphism to our knowledge. Asp530Gly results in a non-conservative amino acid substitution of a polar Aspartic acid with a non-polar Glycine at a position that is conserved across species. Mutations in nearby codons (Cys534Arg, Cys534Tyr, Cys541Tyr) have been reported in association with Marfan syndrome, supporting the functional importance of this region of the protein. Also, the Asp530Gly variant was not observed in approximately 6,500 individuals of European and African American ancestry in the NHLBI Exome Sequencing Project, indicating it is not a common benign variant in these populations. With the clinical and molecular information available at this time, we cannot definitively determine if Asp530Gly is a disease-causing mutation or a rare benign variant. The variant is found in TAAD panel(s).

Center for Medical Genetics Ghent, University of Ghent
Classification: Uncertain significance for Marfan syndrome. Last evaluated: 2017-11-07. Review status: no assertion criteria provided. Collection method: clinical testing. Allele origin: germline. Affected: yes. Not counted in ClinVar's aggregate classification.

Literature cited by the submitters: PubMed 31211624 (cited by Labcorp Genetics (formerly Invitae), Labcorp).

NM_000138.5(FBN1):c.1589A>G (p.Asp530Gly)

Gene: FBN1 (fibrillin 1; minus strand). Cytogenetic location: 15q21.1.
Variant type: single nucleotide variant.
Coding change: c.1589A>G on transcript NM_000138.5 (MANE Select); coding-DNA position 1589, A replaced by G.
Protein change: p.Asp530Gly; replaces aspartic acid 530 with glycine.
Molecular consequence: missense variant.
Genome position (GRCh38, 1-based): chr15:48,510,169, T>C on the plus strand (A>G on the coding strand, the complement: FBN1 is on the minus strand). VCF-style: chr15-48510169-T-C. GRCh37 (hg19) VCF-style: chr15-48802366-T-C.
Other names: p.D530G:GAC>GGC; short protein forms D530G.
Identifiers: ClinVar variation 199973 (VCV000199973.11), dbSNP rs794728171, ClinGen allele CA012303.